The following is an entry in ClinVar:

ClinVar aggregate classification (germline): Pathogenic (1 of 4 stars; one submission).

Submission:

Labcorp Genetics (formerly Invitae), Labcorp
Classification: Pathogenic. Last evaluated: 2024-03-17. Review status: criteria provided, single submitter. Criteria: Invitae Variant Classification Sherloc (09022015). Collection method: clinical testing. Allele origin: germline.
Comment: This sequence change creates a premature translational stop signal (p.Ala381Glyfs*16) in the KIF12 gene. It is expected to result in an absent or disrupted protein product. Loss-of-function variants in KIF12 are known to be pathogenic (PMID: 30250217, 30976738). This variant is not present in population databases (gnomAD no frequency). This variant has not been reported in the literature in individuals affected with KIF12-related conditions. For these reasons, this variant has been classified as Pathogenic.

Literature cited by the submitters: PubMed 30250217; PubMed 30976738.

NM_001388308.1(KIF12):c.1551_1558del (p.Ala519fs)

Gene: KIF12 (kinesin family member 12; minus strand). Cytogenetic location: 9q32.
Variant type: Deletion.
Coding change: c.1551_1558del on transcript NM_001388308.1 (MANE Select); coding-DNA positions 1551 to 1558, 8 bases deleted (CCTGGCCC; older notation c.1551_1558delCCTGGCCC).
Protein change: p.Ala519fs; shifts the reading frame from alanine 519.
Molecular consequence: frameshift variant.
Genome position (GRCh38, 1-based): chr9:114,093,267-114,093,274, GGGCCAGG deleted on the plus strand (CCTGGCCC on the coding strand, the reverse complement: KIF12 is on the minus strand); deleting any 8 consecutive bases within chr9:114,093,267-114,093,276 gives the same sequence; the c. name uses the placement nearest the transcript's 3' end. VCF-style (leftmost placement, unchanged base first): chr9-114093266-TGGGCCAGG-T. GRCh37 (hg19) VCF-style: chr9-116855546-TGGGCCAGG-T.
Other names: c.1137_1144del, p.Ala381fs (NM_138424.2); short protein forms A381fs, A519fs.
Identifiers: ClinVar variation 2965869 (VCV002965869.3), dbSNP rs2490320436, ClinGen allele CA2740095584.